The following is an entry in ClinVar:

ClinVar aggregate classification (germline): Uncertain significance. Review status: criteria provided, multiple submitters, no conflicts (2 of 4 stars). 2 submissions from 2 submitters: Uncertain significance (2). Last evaluated 2025-05-08.

Conditions:
Hypertrophic cardiomyopathy 1 (CMH1). Also called: Familial hypertrophic cardiomyopathy 1; MYH7-Related Familial Hypertrophic Cardiomyopathy. Identifiers: MedGen C3495498, MONDO:0008647, OMIM 192600.

Allele frequency attached by ClinVar (database versions not stated): gnomAD exomes 0.00001; ExAC 0.00002.

Submissions (2):

Ambry Genetics
Classification: Uncertain significance. Last evaluated: 2025-05-08. Review status: criteria provided, single submitter. Criteria: Ambry Variant Classification Scheme 2023. Collection method: clinical testing. Allele origin: germline.
Comment: The p.A132V variant (also known as c.395C>T), located in coding exon 2 of the MYLK2 gene, results from a C to T substitution at nucleotide position 395. The alanine at codon 132 is replaced by valine, an amino acid with similar properties. This amino acid position is conserved. In addition, this alteration is predicted to be tolerated by in silico analysis. Since supporting evidence is limited at this time, the clinical significance of this alteration remains unclear.

Labcorp Genetics (formerly Invitae), Labcorp
Classification: Uncertain significance for Hypertrophic cardiomyopathy 1. Last evaluated: 2024-11-27. Review status: criteria provided, single submitter. Criteria: Invitae Variant Classification Sherloc (09022015). Collection method: clinical testing. Allele origin: germline.
Comment: This sequence change replaces alanine, which is neutral and non-polar, with valine, which is neutral and non-polar, at codon 132 of the MYLK2 protein (p.Ala132Val). This variant is present in population databases (rs774669925, gnomAD 0.002%). This variant has not been reported in the literature in individuals affected with MYLK2-related conditions. ClinVar contains an entry for this variant (Variation ID: 1736502). Invitae Evidence Modeling of protein sequence and biophysical properties (such as structural, functional, and spatial information, amino acid conservation, physicochemical variation, residue mobility, and thermodynamic stability) indicates that this missense variant is not expected to disrupt MYLK2 protein function with a negative predictive value of 80%. In summary, the available evidence is currently insufficient to determine the role of this variant in disease. Therefore, it has been classified as a Variant of Uncertain Significance.

NM_033118.4(MYLK2):c.395C>T (p.Ala132Val)

Gene: MYLK2 (myosin light chain kinase 2; plus strand). Cytogenetic location: 20q11.21.
Variant type: single nucleotide variant.
Coding change: c.395C>T on transcript NM_033118.4 (MANE Select); coding-DNA position 395, C replaced by T.
Protein change: p.Ala132Val; replaces alanine 132 with valine.
Molecular consequence: missense variant.
Genome position (GRCh38, 1-based): chr20:31,820,468, C>T. VCF-style: chr20-31820468-C-T. GRCh37 (hg19) VCF-style: chr20-30408271-C-T.
Other names: short protein forms A132V.
Identifiers: ClinVar variation 1736502 (VCV001736502.7), dbSNP rs774669925, ClinGen allele CA9802910.